The following is an entry in ClinVar:

NM_005883.3(APC2):c.2855C>T (p.Ser952Leu)

Gene: APC2 (APC regulator of Wnt signaling pathway 2; plus strand). Cytogenetic location: 19p13.3.
Variant type: single nucleotide variant.
Coding change: c.2855C>T on transcript NM_005883.3 (MANE Select); coding-DNA position 2855, C replaced by T.
Protein change: p.Ser952Leu; replaces serine 952 with leucine.
Molecular consequence: missense variant.
Genome position (GRCh38, 1-based): chr19:1,466,156, C>T. VCF-style: chr19-1466156-C-T. GRCh37 (hg19) VCF-style: chr19-1466155-C-T.
Other names: c.2852C>T, p.Ser951Leu (NM_001351273.1); short protein forms S951L, S952L.
Identifiers: ClinVar variation 2507085 (VCV002507085.3), dbSNP rs913282943, ClinGen allele CA304076379.

ClinVar aggregate classification (germline): Uncertain significance. Review status: criteria provided, multiple submitters, no conflicts (2 of 4 stars). 2 submissions from 2 submitters: Uncertain significance (2). Last evaluated 2026-07-17.

Conditions:
Inborn genetic diseases. Identifiers: MedGen C0950123, MeSH D030342.

Allele frequency attached by ClinVar (database versions not stated): gnomAD 0.00003; gnomAD exomes 0.00002; TOPMed 0.00002.
gnomAD v4.1: 40 of 1,565,476 alleles (0.0026%); highest among the groups gnomAD compares: Non-Finnish European, 0.003%; no homozygotes.

Submissions (2):

Ambry Genetics
Classification: Uncertain significance for Inborn genetic diseases. Last evaluated: 2026-07-17. Review status: criteria provided, single submitter. Criteria: Ambry Variant Classification Scheme 2023. Collection method: clinical testing. Allele origin: germline.
Comment: The c.2855C>T (p.S952L) alteration is located in exon 15 (coding exon 14) of the APC2 gene. This alteration results from a C to T substitution at nucleotide position 2855, causing the serine (S) at amino acid position 952 to be replaced by a leucine (L). Based on data from gnomAD, the T allele has an overall frequency of 0.001% (3/217924) total alleles studied. The highest observed frequency was 0.018% (1/5678) of Other alleles. Based on insufficient or conflicting evidence, the clinical significance of this alteration remains unclear.

GeneDx
Classification: Uncertain significance. Last evaluated: 2022-12-12. Review status: criteria provided, single submitter. Criteria: GeneDx Variant Classification Process June 2021. Collection method: clinical testing. Allele origin: germline. Affected: yes.
Comment: Not observed at significant frequency in large population cohorts (gnomAD); In silico analysis supports that this missense variant has a deleterious effect on protein structure/function; Has not been previously published as pathogenic or benign to our knowledge